The following is an entry in ClinVar:

ClinVar aggregate classification (germline): Uncertain significance. Review status: criteria provided, multiple submitters, no conflicts (2 of 4 stars). 2 submissions from 2 submitters: Uncertain significance (2). Last evaluated 2025-10-12.

Conditions:
Inborn genetic diseases. Identifiers: MedGen C0950123, MeSH D030342.

Allele frequency attached by ClinVar (database versions not stated): gnomAD 0.00001; TOPMed 0.00003; ExAC 0.00004; gnomAD exomes 0.00009.
gnomAD v4.1: 26 of 1,589,696 alleles (0.0016%); highest among the groups gnomAD compares: Admixed American, 0.043%; no homozygotes.

Submissions (2):

Labcorp Genetics (formerly Invitae), Labcorp
Classification: Uncertain significance. Last evaluated: 2025-10-12. Review status: criteria provided, single submitter. Criteria: Invitae Variant Classification Sherloc (09022015). Collection method: clinical testing. Allele origin: germline.
Comment: This sequence change replaces alanine, which is neutral and non-polar, with valine, which is neutral and non-polar, at codon 99 of the CPOX protein (p.Ala99Val). This variant is present in population databases (rs781649061, gnomAD 0.05%). This variant has not been reported in the literature in individuals affected with CPOX-related conditions. ClinVar contains an entry for this variant (Variation ID: 1386594). An algorithm developed to predict the effect of missense changes on protein structure and function (PolyPhen-2) suggests that this variant is likely to be tolerated. In summary, the available evidence is currently insufficient to determine the role of this variant in disease. Therefore, it has been classified as a Variant of Uncertain Significance.

Ambry Genetics
Classification: Uncertain significance for Inborn genetic diseases. Last evaluated: 2021-09-16. Review status: criteria provided, single submitter. Criteria: Ambry Variant Classification Scheme 2023. Collection method: clinical testing. Allele origin: germline.

NM_000097.7(CPOX):c.296C>T (p.Ala99Val)

Genes: CPOX (coproporphyrinogen oxidase; minus strand), LOC129937121 (ATAC-STARR-seq lymphoblastoid silent region 14560; plus strand). Cytogenetic location: 3q11.2.
Variant type: single nucleotide variant.
Coding change: c.296C>T on transcript NM_000097.7 (MANE Select); coding-DNA position 296, C replaced by T.
Protein change: p.Ala99Val; replaces alanine 99 with valine.
Molecular consequence: missense variant.
Genome position (GRCh38, 1-based): chr3:98,593,209, G>A on the plus strand (C>T on the coding strand, the complement: CPOX is on the minus strand). VCF-style: chr3-98593209-G-A. GRCh37 (hg19) VCF-style: chr3-98312053-G-A.
Other names: c.296C>T (NM_000097.5); short protein forms A99V.
Identifiers: ClinVar variation 1386594 (VCV001386594.7), dbSNP rs781649061, ClinGen allele CA2511737.